The following is an entry in ClinVar:

ClinVar aggregate classification (germline): Likely benign. Review status: criteria provided, multiple submitters, no conflicts (2 of 4 stars). 6 submissions from 6 submitters: Likely benign (6). Last evaluated 2025-10-23.

Conditions:
Primary ciliary dyskinesia. Also called: Ciliary dyskinesia. Identifiers: Orphanet 244, MedGen C0008780, MONDO:0016575, HP:0012265.

Allele frequency attached by ClinVar (database versions not stated): gnomAD exomes 0.00012; ExAC 0.00015; 1000 Genomes Project 0.00060; ESP Exome Variant Server 0.00062; gnomAD 0.00066 and 0.00076; TOPMed 0.00076.
gnomAD v4.1: 201 of 1,614,006 alleles (0.012%); highest among the groups gnomAD compares: African/African-American, 0.23%; no homozygotes.

Submissions (6):

Labcorp Genetics (formerly Invitae), Labcorp
Classification: Likely benign for Primary ciliary dyskinesia. Last evaluated: 2025-10-23. Review status: criteria provided, single submitter. Criteria: Invitae Variant Classification Sherloc (09022015). Collection method: clinical testing. Allele origin: germline.

Mayo Clinic Laboratories, Mayo Clinic
Classification: Likely benign. Last evaluated: 2025-06-12. Review status: criteria provided, single submitter. Criteria: ACMG Guidelines, 2015. Collection method: clinical testing. Allele origin: germline. Observed: 1 variant allele.
Comment: BS1, BP4, BP7

Blueprint Genetics
Classification: Likely benign. Last evaluated: 2024-08-06. Review status: criteria provided, single submitter. Criteria: ACMG Guidelines, 2015. Collection method: clinical testing. Allele origin: germline.

Ambry Genetics
Classification: Likely benign for Primary ciliary dyskinesia. Last evaluated: 2017-05-18. Review status: criteria provided, single submitter. Criteria: Ambry Variant Classification Scheme 2023. Collection method: clinical testing. Allele origin: germline.

Breakthrough Genomics
Classification: Likely benign. Review status: criteria provided, single submitter. Criteria: ACMG Guidelines, 2015. Collection method: not provided. Allele origin: germline. Inheritance: Autosomal recessive inheritance. Affected: yes.

PreventionGenetics, part of Exact Sciences
Classification: Likely benign. Review status: criteria provided, single submitter. Criteria: ACMG Guidelines, 2015. Collection method: clinical testing. Allele origin: germline.

NM_001364171.2(ODAD1):c.1974C>T (p.Gly658=)

Gene: ODAD1 (outer dynein arm docking complex subunit 1; minus strand). Cytogenetic location: 19q13.33.
Variant type: single nucleotide variant.
Coding change: c.1974C>T on transcript NM_001364171.2 (MANE Select); coding-DNA position 1974, C replaced by T.
Protein change: p.Gly658=; no amino-acid change (glycine 658 retained).
Molecular consequence: synonymous variant.
Genome position (GRCh38, 1-based): chr19:48,297,126, G>A on the plus strand (C>T on the coding strand, the complement: ODAD1 is on the minus strand). VCF-style: chr19-48297126-G-A. GRCh37 (hg19) VCF-style: chr19-48800383-G-A.
Other names: p.Gly621=; c.1863C>T, p.Gly621= (NM_144577.4).
Identifiers: ClinVar variation 262495 (VCV000262495.18), dbSNP rs150335194, ClinGen allele CA9548515.
Genomic context (GRCh38, chr19:48,297,126, plus strand): 5'-GCCTCCGCTCGAATCAGACGCTGTGCCTCCGCTCTCCACACCACCCTCTGTGTTTTCTCC[G>A]CCCCTGCTGGACCCCACGTATCCAGTGGAGCCCAGGTAGCTGCTGGCGCTGACGGGTCTG-3'
Protein context (NP_001351100.1, residues 648-668): GSTGYVGSSR[Gly658=]GENTEGGVES